The following is an entry in ClinVar:

NM_001105206.3(LAMA4):c.4694G>A (p.Gly1565Asp)

Gene: LAMA4 (laminin subunit alpha 4; minus strand). Cytogenetic location: 6q21.
Variant type: single nucleotide variant.
Coding change: c.4694G>A on transcript NM_001105206.3 (MANE Select); coding-DNA position 4694, G replaced by A.
Protein change: p.Gly1565Asp; replaces glycine 1565 with aspartic acid.
Molecular consequence: missense variant.
Genome position (GRCh38, 1-based): chr6:112,119,283, C>T on the plus strand (G>A on the coding strand, the complement: LAMA4 is on the minus strand). VCF-style: chr6-112119283-C-T. GRCh37 (hg19) VCF-style: chr6-112440486-C-T.
Other names: c.4673G>A, p.Gly1558Asp (NM_001105207.3, NM_002290.5); short protein forms G1558D, G1565D.
Identifiers: ClinVar variation 2801737 (VCV002801737.4), dbSNP rs1554325265, ClinGen allele CA365368681.

ClinVar aggregate classification (germline): Uncertain significance. Review status: criteria provided, multiple submitters, no conflicts (2 of 4 stars). 2 submissions from 2 submitters: Uncertain significance (2). Last evaluated 2024-03-15.

Conditions:
Dilated cardiomyopathy 1JJ (CMD1JJ). Identifiers: Orphanet 154, MedGen C3808935, MONDO:0014095, OMIM 615235.
Cardiovascular phenotype. Identifiers: MedGen CN230736.

Allele frequency attached by ClinVar (database versions not stated): gnomAD exomes below 0.00001.
gnomAD v4.1: 2 of 1,613,968 alleles (0.00012%); highest among the groups gnomAD compares: Admixed American, 0.0017%; no homozygotes.

Submissions (2):

Ambry Genetics
Classification: Uncertain significance for Cardiovascular phenotype. Last evaluated: 2024-03-15. Review status: criteria provided, single submitter. Criteria: Ambry Variant Classification Scheme 2023. Collection method: clinical testing. Allele origin: germline.
Comment: The p.G1558D variant (also known as c.4673G>A), located in coding exon 33 of the LAMA4 gene, results from a G to A substitution at nucleotide position 4673. The glycine at codon 1558 is replaced by aspartic acid, an amino acid with similar properties. This amino acid position is conserved. In addition, this alteration is predicted to be deleterious by in silico analysis. Based on the available evidence, the clinical significance of this alteration remains unclear.

Labcorp Genetics (formerly Invitae), Labcorp
Classification: Uncertain significance for Dilated cardiomyopathy 1JJ. Last evaluated: 2023-11-28. Review status: criteria provided, single submitter. Criteria: Invitae Variant Classification Sherloc (09022015). Collection method: clinical testing. Allele origin: germline.
Comment: This sequence change replaces glycine, which is neutral and non-polar, with aspartic acid, which is acidic and polar, at codon 1558 of the LAMA4 protein (p.Gly1558Asp). This variant is present in population databases (no rsID available, gnomAD 0.003%). This variant has not been reported in the literature in individuals affected with LAMA4-related conditions. An algorithm developed to predict the effect of missense changes on protein structure and function (PolyPhen-2) suggests that this variant is likely to be disruptive. In summary, the available evidence is currently insufficient to determine the role of this variant in disease. Therefore, it has been classified as a Variant of Uncertain Significance.